The following is an entry in ClinVar:

NM_003640.5(ELP1):c.3219C>A (p.Ala1073=)

Gene: ELP1 (elongator acetyltransferase complex subunit 1; minus strand). Cytogenetic location: 9q31.3.
Variant type: single nucleotide variant.
Coding change: c.3219C>A on transcript NM_003640.5 (MANE Select); coding-DNA position 3219, C replaced by A.
Protein change: p.Ala1073=; no amino-acid change (alanine 1073 retained).
Molecular consequence: synonymous variant.
Genome position (GRCh38, 1-based): chr9:108,889,335, G>T on the plus strand (C>A on the coding strand, the complement: ELP1 is on the minus strand). VCF-style: chr9-108889335-G-T. GRCh37 (hg19) VCF-style: chr9-111651615-G-T.
Other names: c.2877C>A, p.Ala959= (NM_001318360.2); c.2172C>A, p.Ala724= (NM_001330749.2); c.3219C>A (NM_003640.4).
Identifiers: ClinVar variation 1082147 (VCV001082147.11), dbSNP rs371960059, ClinGen allele CA5174385.

ClinVar aggregate classification (germline): Likely benign. Review status: criteria provided, multiple submitters, no conflicts (2 of 4 stars). 3 submissions from 3 submitters: Likely benign (2). 1 of the submissions does not count toward it. Last evaluated 2026-06-15.

Conditions:
ELP1-related disorder. Also called: ELP1-related condition.
Familial dysautonomia. Also called: HSAN III; FD. Identifiers: Orphanet 1764, MedGen C0013364, MONDO:0009131, OMIM 223900. Disease mechanism: loss of function.

Allele frequency attached by ClinVar (database versions not stated): gnomAD exomes 0.00003; ExAC 0.00004; gnomAD 0.00005 and 0.00007; ESP Exome Variant Server 0.00008; TOPMed 0.00008.
gnomAD v4.1: 24 of 1,613,742 alleles (0.0015%); highest among the groups gnomAD compares: African/African-American, 0.032%; 1 homozygote.

Submissions (3):

PreventionGenetics, part of Exact Sciences
Classification: Likely benign for ELP1-related condition. Last evaluated: 2026-06-15. Review status: criteria provided, single submitter. Criteria: ACMG Guidelines, 2015. Collection method: clinical testing. Allele origin: germline.
Comment: This variant is classified as likely benign based on ACMG/AMP sequence variant interpretation guidelines (Richards et al. 2015 PMID: 25741868, with internal and published modifications).

Labcorp Genetics (formerly Invitae), Labcorp
Classification: Likely benign. Last evaluated: 2025-08-10. Review status: criteria provided, single submitter. Criteria: Invitae Variant Classification Sherloc (09022015). Collection method: clinical testing. Allele origin: germline.

Natera, Inc.
Classification: Likely benign for Familial dysautonomia. Last evaluated: 2020-04-26. Review status: no assertion criteria provided. Collection method: clinical testing. Allele origin: germline. Not counted in ClinVar's aggregate classification.